The following is an entry in ClinVar:

ClinVar aggregate classification (germline): Uncertain significance. Review status: criteria provided, multiple submitters, no conflicts (2 of 4 stars). 2 submissions from 2 submitters: Uncertain significance (2). Last evaluated 2024-12-29.

Conditions:
Baller-Gerold syndrome (BGS). Also called: CRANIOSYNOSTOSIS WITH RADIAL DEFECTS. Identifiers: Orphanet 1225, MedGen C0265308, MONDO:0009039, OMIM 218600.
Inborn genetic diseases. Identifiers: MedGen C0950123, MeSH D030342.

Allele frequency attached by ClinVar (database versions not stated): gnomAD exomes below 0.00001 and 0.00002; TOPMed below 0.00001; ExAC 0.00001.
gnomAD v4.1: 6 of 1,612,454 alleles (0.00037%); highest among the groups gnomAD compares: Admixed American, 0.005%; no homozygotes.

Submissions (2):

Ambry Genetics
Classification: Uncertain significance for Inborn genetic diseases. Last evaluated: 2024-12-29. Review status: criteria provided, single submitter. Criteria: Ambry Variant Classification Scheme 2023. Collection method: clinical testing. Allele origin: germline.
Comment: The p.D104A variant (also known as c.311A>C), located in coding exon 4 of the RECQL4 gene, results from an A to C substitution at nucleotide position 311. The aspartic acid at codon 104 is replaced by alanine, an amino acid with dissimilar properties. This amino acid position is conserved. In addition, this alteration is predicted to be tolerated by in silico analysis. Based on the available evidence, the clinical significance of this variant remains unclear.

Labcorp Genetics (formerly Invitae), Labcorp
Classification: Uncertain significance for Baller-Gerold syndrome. Last evaluated: 2019-03-12. Review status: criteria provided, single submitter. Criteria: Invitae Variant Classification Sherloc (09022015). Collection method: clinical testing. Allele origin: germline.
Comment: In summary, the available evidence is currently insufficient to determine the role of this variant in disease. Therefore, it has been classified as a Variant of Uncertain Significance. Algorithms developed to predict the effect of missense changes on protein structure and function are either unavailable or do not agree on the potential impact of this missense change (SIFT: "Tolerated"; PolyPhen-2: "Possibly Damaging"; Align-GVGD: "Class C0"). This variant has not been reported in the literature in individuals with RECQL4-related conditions. This variant is present in population databases (rs754123663, ExAC 0.009%). This sequence change replaces aspartic acid with alanine at codon 104 of the RECQL4 protein (p.Asp104Ala). The aspartic acid residue is highly conserved and there is a moderate physicochemical difference between aspartic acid and alanine.

NM_004260.4(RECQL4):c.311A>C (p.Asp104Ala)

Gene: RECQL4 (RecQ like helicase 4; minus strand). Cytogenetic location: 8q24.3.
Variant type: single nucleotide variant.
Coding change: c.311A>C on transcript NM_004260.4 (MANE Select); coding-DNA position 311, A replaced by C.
Protein change: p.Asp104Ala; replaces aspartic acid 104 with alanine.
Molecular consequence: missense variant.
Genome position (GRCh38, 1-based): chr8:144,517,093, T>G on the plus strand (A>C on the coding strand, the complement: RECQL4 is on the minus strand). VCF-style: chr8-144517093-T-G. GRCh37 (hg19) VCF-style: chr8-145742477-T-G.
Other names: short protein forms D104A.
Identifiers: ClinVar variation 834591 (VCV000834591.6), dbSNP rs754123663, ClinGen allele CA4949382.
Genomic context (GRCh38, chr8:144,517,093, plus strand): 5'-GCCTGCCCACTCCTCACCTGCAGGGTGCCTTTCAGATTGGCCTTGAGCCGCTGCCCGTAG[T>G]CCGGCACCGAGCCCTGGCGGCTCCGCCCTGGCGTAGACTGTGGACTCTTGGTCGCAGCCC-3'
Protein context (NP_004251.4, residues 94-114): PGRSRQGSVP[Asp104Ala]YGQRLKANLK